The following is an entry in ClinVar:

ClinVar aggregate classification (germline): Uncertain significance (1 of 4 stars; one submission).

Conditions:
GNAS-related disorder. Identifiers: MedGen CN380105.

Submission:

PreventionGenetics, part of Exact Sciences
Classification: Uncertain significance for GNAS-related condition. Last evaluated: 2025-12-18. Review status: criteria provided, single submitter. Criteria: ACMG Guidelines, 2015. Collection method: clinical testing. Allele origin: germline.
Comment: The GNAS c.1345G>A variant is predicted to result in the amino acid substitution p.Ala449Thr. To our knowledge, this variant has not been reported in the literature or in a large population database (gnomAD), indicating this variant is rare. This variant corresponds to a pre-coding position in an alternate transcript for this gene (NM_000516:c.-37117). At this time, the clinical significance of this variant is uncertain due to the absence of conclusive functional and genetic evidence.

NM_080425.4(GNAS):c.1345G>A (p.Ala449Thr)

Gene: GNAS (GNAS complex locus; plus strand). Cytogenetic location: 20q13.32.
Variant type: single nucleotide variant.
Coding change: c.1345G>A on transcript NM_080425.4 (MANE Plus Clinical); coding-DNA position 1345, G replaced by A.
Protein change: p.Ala449Thr; replaces alanine 449 with threonine.
Molecular consequence: missense variant. On other transcripts: synonymous variant (2), intron variant (3).
Genome position (GRCh38, 1-based): chr20:58,854,610, G>A. VCF-style: chr20-58854610-G-A. GRCh37 (hg19) VCF-style: chr20-57429665-G-A.
Other names: c.1158G>A, p.Thr386= (NM_001077490.3, NM_001309883.1); c.1345G>A, p.Ala449Thr (NM_001410913.1); c.*42+13724G>A (NM_016592.5); c.43+13724G>A (NM_001410912.1); c.-39+12735G>A (NM_001309861.2); short protein forms A449T.
Identifiers: ClinVar variation 5001875 (VCV005001875.1).
Genomic context (GRCh38, chr20:58,854,610, plus strand): 5'-CCCGACTCCGGGGCAGCCCCTGCCGCCCCAGCCGATCCCGACTCCGGGGCGGCCCCTGAC[G>A]CCCCAGCCGATCCCGACTCCGGGGCGGCCCCTGACGCCCCAGCCGATCCAGATGCCGGGG-3'
Protein context (NP_536350.2, residues 439-459): ADPDSGAAPD[Ala449Thr]PADPDSGAAP